The following is an entry in ClinVar:

NM_020738.4(KIDINS220):c.2010T>C (p.Ile670=)

Gene: KIDINS220 (kinase D interacting substrate 220; minus strand). Cytogenetic location: 2p25.1.
Variant type: single nucleotide variant.
Coding change: c.2010T>C on transcript NM_020738.4 (MANE Select); coding-DNA position 2010, T replaced by C.
Protein change: p.Ile670=; no amino-acid change (isoleucine 670 retained).
Molecular consequence: synonymous variant. On other transcripts: non-coding transcript variant (2).
Genome position (GRCh38, 1-based): chr2:8,785,960, A>G on the plus strand (T>C on the coding strand, the complement: KIDINS220 is on the minus strand). VCF-style: chr2-8785960-A-G. GRCh37 (hg19) VCF-style: chr2-8926090-A-G.
Other names: c.2013T>C, p.Ile671= (NM_001348729.2, NM_001348731.2, NM_001348734.2 and 3 more transcripts); c.2010T>C, p.Ile670= (NM_001348732.2, NM_001348735.2, NM_001348738.2 and 3 more transcripts); c.1884T>C, p.Ile628= (NM_001348736.2); c.2010T>C (NM_020738.2).
Identifiers: ClinVar variation 2182193 (VCV002182193.7), dbSNP rs193011717, ClinGen allele CA1520056.

ClinVar aggregate classification (germline): Likely benign. Review status: criteria provided, multiple submitters, no conflicts (2 of 4 stars). 3 submissions from 3 submitters: Likely benign (2). 1 of the submissions does not count toward it. Last evaluated 2023-09-19.

Conditions:
KIDINS220-related disorder. Also called: KIDINS220-related condition.

Allele frequency attached by ClinVar (database versions not stated): TOPMed 0.00003; gnomAD 0.00004; ExAC 0.00007; gnomAD exomes 0.00011; 1000 Genomes Project 0.00020; 1000 Genomes Project 30x 0.00031.
gnomAD v4.1: 164 of 1,613,166 alleles (0.01%); highest among the groups gnomAD compares: Middle Eastern, 0.083%; 1 homozygote.

Submissions (3):

Blueprint Genetics
Classification: Likely benign. Last evaluated: 2023-09-19. Review status: criteria provided, single submitter. Criteria: ACMG Guidelines, 2015. Collection method: clinical testing. Allele origin: germline.

Labcorp Genetics (formerly Invitae), Labcorp
Classification: Likely benign. Last evaluated: 2022-01-17. Review status: criteria provided, single submitter. Criteria: Invitae Variant Classification Sherloc (09022015). Collection method: clinical testing. Allele origin: germline.

PreventionGenetics, part of Exact Sciences
Classification: Likely benign for KIDINS220-related condition. Last evaluated: 2019-04-16. Review status: no assertion criteria provided. Collection method: clinical testing. Allele origin: germline. Not counted in ClinVar's aggregate classification.
Comment: This variant is classified as likely benign based on ACMG/AMP sequence variant interpretation guidelines (Richards et al. 2015 PMID: 25741868, with internal and published modifications).